The following is an entry in ClinVar:

NM_006648.4(WNK2):c.4759C>T (p.Pro1587Ser)

Gene: WNK2 (WNK lysine deficient protein kinase 2; plus strand). Cytogenetic location: 9q22.31.
Variant type: single nucleotide variant.
Coding change: c.4759C>T on transcript NM_006648.4 (MANE Select); coding-DNA position 4759, C replaced by T.
Protein change: p.Pro1587Ser; replaces proline 1587 with serine.
Molecular consequence: missense variant.
Genome position (GRCh38, 1-based): chr9:93,289,513, C>T. VCF-style: chr9-93289513-C-T. GRCh37 (hg19) VCF-style: chr9-96051795-C-T.
Other names: c.4870C>T, p.Pro1624Ser (NM_001282394.3); short protein forms P1587S, P1624S.
Identifiers: ClinVar variation 3816956 (VCV003816956.1).

ClinVar aggregate classification (germline): Uncertain significance (1 of 4 stars; one submission).

Submission:

Ambry Genetics
Classification: Uncertain significance. Last evaluated: 2025-01-31. Review status: criteria provided, single submitter. Criteria: Ambry Variant Classification Scheme 2023. Collection method: clinical testing. Allele origin: germline.
Comment: The p.P1587S variant (also known as c.4759C>T), located in coding exon 19 of the WNK2 gene, results from a C to T substitution at nucleotide position 4759. The proline at codon 1587 is replaced by serine, an amino acid with similar properties. This amino acid position is conserved. In addition, this alteration is predicted to be tolerated by in silico analysis. Based on the available evidence, the clinical significance of this variant remains unclear.